The following is an entry in ClinVar:

NM_000492.4(CFTR):c.4417G>A (p.Glu1473Lys)

Genes: CFTR (CF transmembrane conductance regulator; plus strand), LOC111674477 (CFTR intron 23 enhancer; plus strand). Cytogenetic location: 7q31.2.
Variant type: single nucleotide variant.
Coding change: c.4417G>A on transcript NM_000492.4 (MANE Select); coding-DNA position 4417, G replaced by A.
Protein change: p.Glu1473Lys; replaces glutamic acid 1473 with lysine.
Molecular consequence: missense variant.
Genome position (GRCh38, 1-based): chr7:117,667,082, G>A. VCF-style: chr7-117667082-G-A. GRCh37 (hg19) VCF-style: chr7-117307136-G-A.
Other names: short protein forms E1473K.
Identifiers: ClinVar variation 501903 (VCV000501903.8), dbSNP rs397508716, ClinGen allele CA368985321.

ClinVar aggregate classification (germline): Uncertain significance. Review status: criteria provided, multiple submitters, no conflicts (2 of 4 stars). 2 submissions from 2 submitters: Uncertain significance (2). Last evaluated 2025-08-19.

Conditions:
Cystic fibrosis (CF). Also called: MUCOVISCIDOSIS. Identifiers: Orphanet 586, MedGen C0010674, MONDO:0009061, OMIM 219700. Disease mechanism: loss of function.

Submissions (2):

Ambry Genetics
Classification: Uncertain significance for Cystic fibrosis. Last evaluated: 2025-08-19. Review status: criteria provided, single submitter. Criteria: Ambry Variant Classification Scheme 2023. Collection method: clinical testing. Allele origin: germline.
Comment: The p.E1473K variant (also known as c.4417G>A), located in coding exon 27 of the CFTR gene, results from a G to A substitution at nucleotide position 4417. The glutamic acid at codon 1473 is replaced by lysine, an amino acid with similar properties. This amino acid position is well conserved in available vertebrate species. In addition, the in silico prediction for this alteration is inconclusive. Since supporting evidence is limited at this time, the clinical significance of this alteration remains unclear.

Eurofins Ntd Llc (ga)
Classification: Uncertain significance. Last evaluated: 2017-05-05. Review status: criteria provided, single submitter. Criteria: EGL Classification Definitions 2015. Collection method: clinical testing. Allele origin: germline. Observed: 1 variant allele, 1 heterozygote.